The following is an entry in ClinVar:

NM_032043.3(BRIP1):c.1116T>C (p.Leu372=)

Gene: BRIP1 (BRCA1 interacting DNA helicase 1; minus strand). Cytogenetic location: 17q23.2.
Variant type: single nucleotide variant.
Coding change: c.1116T>C on transcript NM_032043.3 (MANE Select); coding-DNA position 1116, T replaced by C.
Protein change: p.Leu372=; no amino-acid change (leucine 372 retained).
Molecular consequence: synonymous variant.
Genome position (GRCh38, 1-based): chr17:61,801,277, A>G on the plus strand (T>C on the coding strand, the complement: BRIP1 is on the minus strand). VCF-style: chr17-61801277-A-G. GRCh37 (hg19) VCF-style: chr17-59878638-A-G.
Identifiers: ClinVar variation 929528 (VCV000929528.7), dbSNP rs2077986700, ClinGen allele CA501151757.
Genomic context (GRCh38, chr17:61,801,277, plus strand): 5'-TAGGAAGAAGGTTCTCATTTTTACACATATACTCACACTTTCCCTTATTTGTGCATCTAG[A>G]AGATAGTTGTAGGGACAAAATATGATGTCAGCATCTTGTATTAGTTCTCGGGCTGTGTAA-3'
Protein context (NP_114432.2, residues 362-382): ADIIFCPYNY[Leu372=]LDAQIRESMD

ClinVar aggregate classification (germline): Likely benign. Review status: criteria provided, multiple submitters, no conflicts (2 of 4 stars). 3 submissions from 3 submitters: Likely benign (2). 1 of the submissions does not count toward it. Last evaluated 2024-02-14.

Conditions:
Fanconi anemia complementation group J. Also called: BRIP1-Related Fanconi Anemia. Identifiers: Orphanet 84, MedGen C1836860, MONDO:0012187, OMIM 609054.
Familial cancer of breast. Also called: BREAST CANCER, FAMILIAL; hereditary breast carcinoma; Hereditary breast cancer. Identifiers: Orphanet 227535, MedGen C0346153, MONDO:0016419, OMIM 114480. Disease mechanism: loss of function.
Hereditary cancer-predisposing syndrome. Also called: Tumor predisposition; Hereditary neoplastic syndrome; Neoplastic Syndromes, Hereditary; Hereditary Cancer Syndrome. Identifiers: Orphanet 140162, MedGen C0027672, MeSH D009386, MONDO:0015356.

Allele frequency attached by ClinVar (database versions not stated): gnomAD exomes below 0.00001.
gnomAD v4.1: 1 of 1,613,706 alleles (0.000062%); highest among the groups gnomAD compares: East Asian, 0.0022%; no homozygotes.

Submissions (3):

Labcorp Genetics (formerly Invitae), Labcorp
Classification: Likely benign for Familial cancer of breast; Fanconi anemia complementation group J. Last evaluated: 2024-02-14. Review status: criteria provided, single submitter. Criteria: Invitae Variant Classification Sherloc (09022015). Collection method: clinical testing. Allele origin: germline.

Ambry Genetics
Classification: Likely benign for Hereditary cancer-predisposing syndrome. Last evaluated: 2023-05-23. Review status: criteria provided, single submitter. Criteria: Ambry Variant Classification Scheme 2023. Collection method: clinical testing. Allele origin: germline.

Leiden Open Variation Database
Classification: Uncertain significance. Last evaluated: 2019-08-13. Review status: no assertion criteria provided. Collection method: curation. Allele origin: germline. Affected: yes. Not counted in ClinVar's aggregate classification.
Comment: Curator: Arleen D. Auerbach. Submitter to LOVD: Yukihide Momozawa.

Literature cited by the submitters: PubMed 31214711 (cited by Leiden Open Variation Database).